The following is an entry in ClinVar:

NM_000465.4(BARD1):c.2157A>G (p.Thr719=)

Gene: BARD1 (BRCA1 associated RING domain 1; minus strand). Cytogenetic location: 2q35.
Variant type: single nucleotide variant.
Coding change: c.2157A>G on transcript NM_000465.4 (MANE Select); coding-DNA position 2157, A replaced by G.
Protein change: p.Thr719=; no amino-acid change (threonine 719 retained).
Molecular consequence: synonymous variant. On other transcripts: non-coding transcript variant (3).
Genome position (GRCh38, 1-based): chr2:214,728,853, T>C on the plus strand (A>G on the coding strand, the complement: BARD1 is on the minus strand). VCF-style: chr2-214728853-T-C. GRCh37 (hg19) VCF-style: chr2-215593577-T-C.
Other names: c.2100A>G, p.Thr700= (NM_001282543.2); c.804A>G, p.Thr268= (NM_001282545.2); c.747A>G, p.Thr249= (NM_001282548.2); c.618A>G, p.Thr206= (NM_001282549.2).
Identifiers: ClinVar variation 744654 (VCV000744654.19), dbSNP rs1574703001, ClinGen allele CA431393454.

ClinVar aggregate classification (germline): Benign/Likely benign. Review status: criteria provided, multiple submitters, no conflicts (2 of 4 stars). 4 submissions from 4 submitters: Benign (1); Likely benign (3). Last evaluated 2024-07-30.

Conditions:
Hereditary cancer-predisposing syndrome. Also called: Neoplastic Syndromes, Hereditary; Hereditary Cancer Syndrome; Tumor predisposition; Hereditary neoplastic syndrome. Identifiers: Orphanet 140162, MedGen C0027672, MeSH D009386, MONDO:0015356.
Familial cancer of breast. Also called: BREAST CANCER, FAMILIAL; hereditary breast carcinoma; Hereditary breast cancer. Identifiers: Orphanet 227535, MedGen C0346153, MONDO:0016419, OMIM 114480. Disease mechanism: loss of function.

gnomAD v4.1: 1 of 1,614,212 alleles (0.000062%); no homozygotes.

Submissions (4):

Myriad Genetics, Inc.
Classification: Benign for Familial cancer of breast. Last evaluated: 2024-07-30. Review status: criteria provided, single submitter. Criteria: Myriad Autosomal Dominant, Autosomal Recessive and X-Linked Classification Criteria (2023). Collection method: clinical testing. Allele origin: unknown.
Comment: This variant is considered benign. This variant is a silent/synonymous amino acid change and it is not expected to impact splicing.

Labcorp Genetics (formerly Invitae), Labcorp
Classification: Likely benign for Familial cancer of breast. Last evaluated: 2023-05-19. Review status: criteria provided, single submitter. Criteria: Invitae Variant Classification Sherloc (09022015). Collection method: clinical testing. Allele origin: germline.

Color Diagnostics, LLC DBA Color Health
Classification: Likely benign for Hereditary cancer-predisposing syndrome. Last evaluated: 2020-08-17. Review status: criteria provided, single submitter. Criteria: ACMG Guidelines, 2015. Collection method: clinical testing. Allele origin: germline.

Ambry Genetics
Classification: Likely benign for Hereditary cancer-predisposing syndrome. Last evaluated: 2018-09-25. Review status: criteria provided, single submitter. Criteria: Ambry Variant Classification Scheme 2023. Collection method: clinical testing. Allele origin: germline.